The following is an entry in ClinVar:

NM_001349253.2(SCN11A):c.2173C>T (p.Arg725Cys)

Gene: SCN11A (sodium voltage-gated channel alpha subunit 11; minus strand). Cytogenetic location: 3p22.2.
Variant type: single nucleotide variant.
Coding change: c.2173C>T on transcript NM_001349253.2 (MANE Select); coding-DNA position 2173, C replaced by T.
Protein change: p.Arg725Cys; replaces arginine 725 with cysteine.
Molecular consequence: missense variant.
Genome position (GRCh38, 1-based): chr3:38,897,075, G>A on the plus strand (C>T on the coding strand, the complement: SCN11A is on the minus strand). VCF-style: chr3-38897075-G-A. GRCh37 (hg19) VCF-style: chr3-38938566-G-A.
Other names: c.2173C>T, p.Arg725Cys (NM_014139.3); short protein forms R725C.
Identifiers: ClinVar variation 1384159 (VCV001384159.6), dbSNP rs375202996, ClinGen allele CA72959387.

ClinVar aggregate classification (germline): Uncertain significance (1 of 4 stars; one submission).

Conditions:
Hereditary sensory and autonomic neuropathy type 7. Also called: Neuropathy, hereditary sensory and autonomic, type VII; HSAN VII. Identifiers: Orphanet 391397, MedGen C3809882, MONDO:0014244, OMIM 615548.
Familial episodic pain syndrome with predominantly lower limb involvement. Also called: Episodic pain syndrome, familial, 3. Identifiers: Orphanet 391384, Orphanet 391392, MedGen C3809899, MONDO:0014247, OMIM 615552.

Allele frequency attached by ClinVar (database versions not stated): TOPMed below 0.00001; ESP Exome Variant Server 0.00008.
gnomAD v4.1: 13 of 1,614,050 alleles (0.00081%); highest among the groups gnomAD compares: East Asian, 0.0067%; no homozygotes.

Submission:

Labcorp Genetics (formerly Invitae), Labcorp
Classification: Uncertain significance for Familial episodic pain syndrome with predominantly lower limb involvement; Hereditary sensory and autonomic neuropathy type 7. Last evaluated: 2022-07-05. Review status: criteria provided, single submitter. Criteria: Invitae Variant Classification Sherloc (09022015). Collection method: clinical testing. Allele origin: germline.
Comment: In summary, the available evidence is currently insufficient to determine the role of this variant in disease. Therefore, it has been classified as a Variant of Uncertain Significance. Algorithms developed to predict the effect of missense changes on protein structure and function (SIFT, PolyPhen-2, Align-GVGD) all suggest that this variant is likely to be tolerated. ClinVar contains an entry for this variant (Variation ID: 1384159). This variant has not been reported in the literature in individuals affected with SCN11A-related conditions. This variant is present in population databases (rs375202996, gnomAD 0.003%). This sequence change replaces arginine, which is basic and polar, with cysteine, which is neutral and slightly polar, at codon 725 of the SCN11A protein (p.Arg725Cys).